The following is an entry in ClinVar:

NM_022047.4(DEF6):c.136C>T (p.His46Tyr)

Gene: DEF6 (DEF6 guanine nucleotide exchange factor; plus strand). Cytogenetic location: 6p21.31.
Variant type: single nucleotide variant.
Coding change: c.136C>T on transcript NM_022047.4 (MANE Select); coding-DNA position 136, C replaced by T.
Protein change: p.His46Tyr; replaces histidine 46 with tyrosine.
Molecular consequence: missense variant.
Genome position (GRCh38, 1-based): chr6:35,309,709, C>T. VCF-style: chr6-35309709-C-T. GRCh37 (hg19) VCF-style: chr6-35277486-C-T.
Other names: short protein forms H46Y.
Identifiers: ClinVar variation 1936437 (VCV001936437.5), dbSNP rs1791438673, ClinGen allele CA363761040.
Genomic context (GRCh38, chr6:35,309,709, plus strand): 5'-TGCCACTCTACTCTATCCCAGGTGCTGTCCCACAACCTGTACACGGTCCTGCACATCCCC[C>T]ATGACCCCGTGGCCCTGGAGGAACACTTCCGAGATGATGATGACGGCCCTGTGTCCAGCC-3'
Protein context (NP_071330.3, residues 36-56): HNLYTVLHIP[His46Tyr]DPVALEEHFR

ClinVar aggregate classification (germline): Uncertain significance (1 of 4 stars; one submission).

Submission:

Labcorp Genetics (formerly Invitae), Labcorp
Classification: Uncertain significance. Last evaluated: 2022-03-12. Review status: criteria provided, single submitter. Criteria: Invitae Variant Classification Sherloc (09022015). Collection method: clinical testing. Allele origin: germline.
Comment: In summary, the available evidence is currently insufficient to determine the role of this variant in disease. Therefore, it has been classified as a Variant of Uncertain Significance. Algorithms developed to predict the effect of missense changes on protein structure and function are either unavailable or do not agree on the potential impact of this missense change (SIFT: "Deleterious"; PolyPhen-2: "Probably Damaging"; Align-GVGD: "Class C0"). This variant has not been reported in the literature in individuals affected with DEF6-related conditions. This variant is not present in population databases (gnomAD no frequency). This sequence change replaces histidine, which is basic and polar, with tyrosine, which is neutral and polar, at codon 46 of the DEF6 protein (p.His46Tyr).